The following is an entry in ClinVar:

NM_002299.4(LCT):c.1396G>A (p.Gly466Arg)

Genes: LCT (lactase; minus strand), LOC126806353 (BRD4-independent group 4 enhancer GRCh37_chr2:136574960-136576159; plus strand). Cytogenetic location: 2q21.3.
Variant type: single nucleotide variant.
Coding change: c.1396G>A on transcript NM_002299.4 (MANE Select); coding-DNA position 1396, G replaced by A.
Protein change: p.Gly466Arg; replaces glycine 466 with arginine.
Molecular consequence: missense variant.
Genome position (GRCh38, 1-based): chr2:135,817,652, C>T on the plus strand (G>A on the coding strand, the complement: LCT is on the minus strand). VCF-style: chr2-135817652-C-T. GRCh37 (hg19) VCF-style: chr2-136575222-C-T.
Other names: short protein forms G466R.
Identifiers: ClinVar variation 1920944 (VCV001920944.5), dbSNP rs377102890, ClinGen allele CA348606268.

ClinVar aggregate classification (germline): Uncertain significance (1 of 4 stars; one submission).

gnomAD v4.1: 11 of 1,613,720 alleles (0.00068%); highest among the groups gnomAD compares: South Asian, 0.0011%; no homozygotes.

Submission:

Labcorp Genetics (formerly Invitae), Labcorp
Classification: Uncertain significance. Last evaluated: 2024-02-19. Review status: criteria provided, single submitter. Criteria: Invitae Variant Classification Sherloc (09022015). Collection method: clinical testing. Allele origin: germline.
Comment: This sequence change replaces glycine, which is neutral and non-polar, with arginine, which is basic and polar, at codon 466 of the LCT protein (p.Gly466Arg). This variant is present in population databases (no rsID available, gnomAD 0.003%). This variant has not been reported in the literature in individuals affected with LCT-related conditions. ClinVar contains an entry for this variant (Variation ID: 1920944). Algorithms developed to predict the effect of missense changes on protein structure and function output the following: SIFT: "Not Available"; PolyPhen-2: "Benign"; Align-GVGD: "Not Available". The arginine amino acid residue is found in multiple mammalian species, which suggests that this missense change does not adversely affect protein function. In summary, the available evidence is currently insufficient to determine the role of this variant in disease. Therefore, it has been classified as a Variant of Uncertain Significance.